The following is an entry in ClinVar:

NM_052947.4(ALPK2):c.1783T>A (p.Ser595Thr)

Gene: ALPK2 (alpha kinase 2; minus strand). Cytogenetic location: 18q21.31.
Variant type: single nucleotide variant.
Coding change: c.1783T>A on transcript NM_052947.4 (MANE Select); coding-DNA position 1783, T replaced by A.
Protein change: p.Ser595Thr; replaces serine 595 with threonine.
Molecular consequence: missense variant.
Genome position (GRCh38, 1-based): chr18:58,578,993, A>T on the plus strand (T>A on the coding strand, the complement: ALPK2 is on the minus strand). VCF-style: chr18-58578993-A-T. GRCh37 (hg19) VCF-style: chr18-56246225-A-T.
Other names: short protein forms S595T.
Identifiers: ClinVar variation 3228586 (VCV003228586.1), dbSNP rs1182489467, ClinGen allele CA402560233.

ClinVar aggregate classification (germline): Uncertain significance (1 of 4 stars; one submission).

Submission:

Ambry Genetics
Classification: Uncertain significance. Last evaluated: 2024-01-29. Review status: criteria provided, single submitter. Criteria: Ambry Variant Classification Scheme 2023. Collection method: clinical testing. Allele origin: germline.
Comment: The p.S595T variant (also known as c.1783T>A), located in coding exon 3 of the ALPK2 gene, results from a T to A substitution at nucleotide position 1783. The serine at codon 595 is replaced by threonine, an amino acid with similar properties. This amino acid position is conserved. In addition, this alteration is predicted to be tolerated by in silico analysis. Based on the available evidence, the clinical significance of this alteration remains unclear.